The following is an entry in ClinVar:

NM_006231.4(POLE):c.1180C>T (p.Gln394Ter)

Gene: POLE (DNA polymerase epsilon, catalytic subunit; minus strand). Cytogenetic location: 12q24.33.
Variant type: single nucleotide variant.
Coding change: c.1180C>T on transcript NM_006231.4 (MANE Select); coding-DNA position 1180, C replaced by T.
Protein change: p.Gln394Ter; replaces glutamine 394 with a stop codon.
Molecular consequence: nonsense.
Genome position (GRCh38, 1-based): chr12:132,675,444, G>A on the plus strand (C>T on the coding strand, the complement: POLE is on the minus strand). VCF-style: chr12-132675444-G-A. GRCh37 (hg19) VCF-style: chr12-133252030-G-A.
Other names: short protein forms Q394*.
Identifiers: ClinVar variation 560839 (VCV000560839.12), dbSNP rs1565975090, ClinGen allele CA387360848.

ClinVar aggregate classification (germline): Conflicting classifications of pathogenicity. Review status: criteria provided, conflicting classifications (1 of 4 stars). 3 submissions from 3 submitters: Pathogenic (1); Uncertain significance (2). Last evaluated 2025-02-11.

Conditions:
Hereditary cancer-predisposing syndrome. Also called: Hereditary neoplastic syndrome; Neoplastic Syndromes, Hereditary; Tumor predisposition; Hereditary Cancer Syndrome. Identifiers: Orphanet 140162, MedGen C0027672, MeSH D009386, MONDO:0015356.

Allele frequency attached by ClinVar (database versions not stated): TOPMed 0.00001.

Submissions (3):

Ambry Genetics
Classification: Uncertain significance for Hereditary cancer-predisposing syndrome. Last evaluated: 2025-02-11. Review status: criteria provided, single submitter. Criteria: Ambry Variant Classification Scheme 2023. Collection method: clinical testing. Allele origin: germline.
Comment: The p.Q394* variant (also known as c.1180C>T), located in coding exon 12 of the POLE gene, results from a C to T substitution at nucleotide position 1180. This changes the amino acid from a glutamine to a stop codon within coding exon 12. This alteration is expected to result in loss of function by premature protein truncation or nonsense-mediated mRNA decay. Although biallelic loss of function of POLE has been associated with autosomal recessive POLE deficiency, haploinsufficiency of POLE has not been established as a mechanism of disease for POLE-related polymerase proofreading-associated polyposis (PPAP) and POLE-related CMMRD-like syndrome. Based on the supporting evidence, this variant is expected to be causative of POLE deficiency when present along with a second pathogenic variant on the other allele; however, its clinical significance for PPAP and POLE-related CMMRD-like syndrome is unclear.

Labcorp Genetics (formerly Invitae), Labcorp
Classification: Pathogenic. Last evaluated: 2024-08-05. Review status: criteria provided, single submitter. Criteria: Invitae Variant Classification Sherloc (09022015). Collection method: clinical testing. Allele origin: germline.
Comment: This sequence change creates a premature translational stop signal (p.Gln394*) in the POLE gene. It is expected to result in an absent or disrupted protein product. Loss-of-function variants in POLE are known to be pathogenic (PMID: 23230001, 25948378, 30503519). This variant is not present in population databases (gnomAD no frequency). This variant has not been reported in the literature in individuals affected with POLE-related conditions. ClinVar contains an entry for this variant (Variation ID: 560839). For these reasons, this variant has been classified as Pathogenic.

PreventionGenetics, part of Exact Sciences
Classification: Uncertain significance. Last evaluated: 2017-01-06. Review status: criteria provided, single submitter. Criteria: ACMG Guidelines, 2015. Collection method: clinical testing. Allele origin: germline.

Literature cited by the submitters: PubMed 23230001 (cited by Labcorp Genetics (formerly Invitae), Labcorp); PubMed 25948378 (cited by Labcorp Genetics (formerly Invitae), Labcorp); PubMed 30503519 (cited by Labcorp Genetics (formerly Invitae), Labcorp).